The following is an entry in ClinVar:

NM_001042492.3(NF1):c.6713del (p.Phe2238fs)

Gene: NF1 (neurofibromin 1; plus strand). Cytogenetic location: 17q11.2.
Variant type: Deletion.
Coding change: c.6713del on transcript NM_001042492.3 (MANE Select); coding-DNA position 6713, one base deleted (T; older notation c.6713delT).
Protein change: p.Phe2238fs; shifts the reading frame from phenylalanine 2238.
Molecular consequence: frameshift variant.
Genome position (GRCh38, 1-based): chr17:31,338,033, T deleted; the last of 2 consecutive T bases (chr17:31,338,032-31,338,033); deleting either gives the same sequence. VCF-style (leftmost placement, unchanged base first): chr17-31338031-AT-A. GRCh37 (hg19) VCF-style: chr17-29665049-AT-A.
Other names: c.6650delT, p.Phe2217Serfs (NM_000267.4); short protein forms F2217fs, F2238fs.
Identifiers: ClinVar variation 2736572 (VCV002736572.3), dbSNP rs2508758949, ClinGen allele CA2695225163.
Genomic context (GRCh38, chr17:31,338,031, plus strand): 5'-TAGTATATATAAACACAAAGGTTTTTATAAGTTCTGTGGATCTTTTAATTGCAGATTTGC[AT>A]TCCAATATAATCCATCCCTGCAACCAAGAGCTCTTGTTGTCTTTGGGTGTATTAGCAAAC-3'

ClinVar aggregate classification (germline): Pathogenic (1 of 4 stars; one submission).

Conditions:
Neurofibromatosis, type 1 (NF1). Also called: Neurofibromatosis, type I; Peripheral type neurofibromatosis; VON RECKLINGHAUSEN DISEASE; NEUROFIBROMATOSIS, TYPE I, SOMATIC. Identifiers: Orphanet 636, MedGen C0027831, MONDO:0018975, OMIM 162200. Disease mechanism: loss of function.

Submission:

Labcorp Genetics (formerly Invitae), Labcorp
Classification: Pathogenic for Neurofibromatosis, type 1. Last evaluated: 2023-09-13. Review status: criteria provided, single submitter. Criteria: Invitae Variant Classification Sherloc (09022015). Collection method: clinical testing. Allele origin: germline.
Comment: For these reasons, this variant has been classified as Pathogenic. This premature translational stop signal has been observed in individual(s) with neurofibromatosis, type 1 (PMID: 18546366). This variant is not present in population databases (gnomAD no frequency). This sequence change creates a premature translational stop signal (p.Phe2217Serfs*27) in the NF1 gene. It is expected to result in an absent or disrupted protein product. Loss-of-function variants in NF1 are known to be pathogenic (PMID: 10712197, 23913538).

Literature cited by the submitters: PubMed 18546366; PubMed 10712197; PubMed 23913538.